The following is an entry in ClinVar:

ClinVar aggregate classification (germline): Pathogenic. Review status: criteria provided, multiple submitters, no conflicts (2 of 4 stars). 7 submissions from 7 submitters: Pathogenic (5). 2 of the submissions do not count toward it. Last evaluated 2023-09-17.

Conditions:
NAXD-related disorder. Also called: NAXD-related condition.
NAD(P)HX dehydratase deficiency. Also called: Encephalopathy, progressive, early-onset, with brain edema and/or leukoencephalopathy, 2. Identifiers: Orphanet 555402, MedGen C5193026, MONDO:0034121, OMIM 618321.

Submissions (7):

GeneDx
Classification: Pathogenic. Last evaluated: 2023-09-17. Review status: criteria provided, single submitter. Criteria: GeneDx Variant Classification Process June 2021. Collection method: clinical testing. Allele origin: germline. Affected: yes.
Comment: Frameshift variant predicted to result in protein truncation or nonsense mediated decay in a gene for which loss of function is a known mechanism of disease; Published functional studies demonstrate a loss of protein expression (Borna et al., 2020); This variant is associated with the following publications: (PMID: 32462209, 30576410)

Labcorp Genetics (formerly Invitae), Labcorp
Classification: Pathogenic. Last evaluated: 2023-07-07. Review status: criteria provided, single submitter. Criteria: Invitae Variant Classification Sherloc (09022015). Collection method: clinical testing. Allele origin: germline.
Comment: This variant is present in population databases (rs773887880, gnomAD 0.01%). For these reasons, this variant has been classified as Pathogenic. Studies have shown that this premature translational stop signal alters NAXD gene expression (PMID: 32462209). ClinVar contains an entry for this variant (Variation ID: 617759). This variant is also known as c.51_54delAGAA (p.Ala20Phefs*9). This premature translational stop signal has been observed in individuals with clinical features of progressive encephalopathy with brain edema and leukoencephalopathy (PMID: 30576410, 32462209). This sequence change creates a premature translational stop signal (p.Ala38Phefs*9) in the NAXD gene. It is expected to result in an absent or disrupted protein product. Loss-of-function variants in NAXD are known to be pathogenic (PMID: 30576410, 32462209).

Victorian Clinical Genetics Services, Murdoch Childrens Research Institute
Classification: Pathogenic for NAD(P)HX dehydratase deficiency. Last evaluated: 2020-10-19. Review status: criteria provided, single submitter. Criteria: ACMG Guidelines, 2015. Collection method: clinical testing. Allele origin: germline. Inheritance: Autosomal recessive inheritance.
Comment: Based on the classification scheme VCGS_Germline_v1.1.1, this variant is classified as Pathogenic. Following criteria are met: 0102 - Loss-of-function is a known mechanism of disease for this gene. (N) 0106 - This gene is known to be associated with autosomal recessive disease. (N) 0201 - Variant is predicted to cause nonsense-mediated decay (NMD) and loss of protein (exon 2 of 10). (P) 0251 - Variant is heterozygous. (N) 0304 - Variant is present in gnomAD <0.01 for a recessive condition (v2: 12 heterozygotes, 0 homozygotes). (P) 0703 - Comparable variants have moderate previous evidence for pathogenicity. Other variants predicted to cause NMD have been reported as pathogenic (PMID: 31755961, 32462209). (P) 0802 - Moderate previous evidence of pathogenicity in unrelated individuals. This variant has been previously reported in patients with neurodegenerative disorder exacerbated by febrile illnesses. (ClinVar, PMID: 30576410, 32462209). (P) 1002 - Moderate functional evidence supporting abnormal protein function. Functional studies show that this variant causes impaired localisation of protein (PMID: 32462209). (P) 1208 - Inheritance information for this variant is not currently available. (N) Legend: (P) - Pathogenic, (N) - Neutral, (B) - Benign

Kasturba Medical College, Manipal, Kasturba Medical College, Manipal, Manipal Academy of Higher Education, Manipal, India
Classification: Pathogenic for NAD(P)HX dehydratase deficiency. Review status: criteria provided, single submitter. Criteria: ACMG Guidelines, 2015. Collection method: clinical testing. Allele origin: inherited. Affected: yes.

Neuberg Centre For Genomic Medicine, NCGM
Classification: Pathogenic for NAD(P)HX dehydratase deficiency. Review status: criteria provided, single submitter. Criteria: ACMG Guidelines, 2015. Collection method: clinical testing. Allele origin: germline. Inheritance: Autosomal recessive inheritance. Affected: yes.
Comment: The frameshift variant c.108_111del (p.Ala38PhefsTer9) has been reported previously in homozygous state in patients affected with NAXD deficiency (Van Bergen NJ. et al., 2019). This variant is reported with the allele frequency (0.004%) in the gnomAD and novel in 1000 genome database. This variant is predicted to cause loss of normal protein function through protein truncation. Loss of function variants have been previously reported to be disease causing. For these reasons, this variant has been classified as Pathogenic.

PreventionGenetics, part of Exact Sciences
Classification: Pathogenic for NAXD-related condition. Last evaluated: 2024-02-13. Review status: no assertion criteria provided. Collection method: clinical testing. Allele origin: germline. Not counted in ClinVar's aggregate classification.
Comment: The NAXD c.108_111delAAGA variant is predicted to result in a frameshift and premature protein termination (p.Ala38Phefs*9). This variant has been associated with NAD(P)HX dehydratase (NAXD) deficiency (reported as c.54_57delAAGA using another transcript in Van Bergen et al. 2019. PubMed ID: 30576410). This variant is reported in 0.0086% of alleles in individuals of European (Non-Finnish) descent in gnomAD. Frameshift variants in NAXD are expected to be pathogenic. This variant is interpreted as pathogenic.

OMIM
Classification: Pathogenic for ENCEPHALOPATHY, PROGRESSIVE, EARLY-ONSET, WITH BRAIN EDEMA AND/OR LEUKOENCEPHALOPATHY, 2. Last evaluated: 2020-09-16. Review status: no assertion criteria provided. Collection method: literature only. Allele origin: germline. Not counted in ClinVar's aggregate classification.

Literature cited by the submitters: PubMed 32462209 (cited by 3 submitters); PubMed 30576410 (cited by 3 submitters); PubMed 31755961 (cited by Victorian Clinical Genetics Services, Murdoch Childrens Research Institute).

NM_001242882.2(NAXD):c.54_57del (p.Ala20fs)

Gene: NAXD (NAD(P)HX dehydratase; plus strand). Cytogenetic location: 13q34.
Variant type: Deletion.
Coding change: c.54_57del on transcript NM_001242882.2 (MANE Select); coding-DNA positions 54 to 57, 4 bases deleted (AAGA; older notation c.54_57delAAGA).
Protein change: p.Ala20fs; shifts the reading frame from alanine 20.
Molecular consequence: frameshift variant. On other transcripts: non-coding transcript variant (2), intron variant (1).
Genome position (GRCh38, 1-based): chr13:110,622,223-110,622,226, AAGA deleted; deleting any 4 consecutive bases within chr13:110,622,220-110,622,226 gives the same sequence; the c. name uses the placement nearest the transcript's 3' end. VCF-style (leftmost placement, unchanged base first): chr13-110622219-TAGAA-T. GRCh37 (hg19) VCF-style: chr13-111274566-TAGAA-T.
Other names: c.54_57delAAGA (NM_001242882.1); c.108_111del (NM_018210.3); c.108_111del, p.Ala38fs (NM_001242881.2, NM_018210.4); c.57-5216_57-5213del (NM_001242883.2); c.108_111delAAGA (NM_018210.3); short protein forms A20fs, A38fs.
Identifiers: ClinVar variation 617759 (VCV000617759.15), dbSNP rs773887880, ClinGen allele CA7051028.